The following is an entry in ClinVar:

NM_002471.4(MYH6):c.2529_2530delinsCT (p.Lys843_Ser844delinsAsnCys)

Gene: MYH6 (myosin heavy chain 6; minus strand). Cytogenetic location: 14q11.2.
Variant type: Indel.
Coding change: c.2529_2530delinsCT on transcript NM_002471.4 (MANE Select); coding-DNA positions 2529 to 2530, GA replaced by CT.
Protein change: p.Lys843_Ser844delinsAsnCys.
Molecular consequence: missense variant.
Genome position (GRCh38, 1-based): chr14:23,394,223-23,394,224, TC replaced by AG on the plus strand (GA replaced by CT on the coding strand, the reverse complement: MYH6 is on the minus strand). VCF-style: chr14-23394223-TC-AG. GRCh37 (hg19) VCF-style: chr14-23863432-TC-AG.
Identifiers: ClinVar variation 1464115 (VCV001464115.6), dbSNP rs2138599835, ClinGen allele CA2573149845.

ClinVar aggregate classification (germline): Uncertain significance (1 of 4 stars; one submission).

Conditions:
Hypertrophic cardiomyopathy 14. Identifiers: MedGen C2750467, MONDO:0013197, OMIM 613251.

Submission:

Labcorp Genetics (formerly Invitae), Labcorp
Classification: Uncertain significance for Hypertrophic cardiomyopathy 14. Last evaluated: 2021-11-21. Review status: criteria provided, single submitter. Criteria: Invitae Variant Classification Sherloc (09022015). Collection method: clinical testing. Allele origin: germline.
Comment: In summary, the available evidence is currently insufficient to determine the role of this variant in disease. Therefore, it has been classified as a Variant of Uncertain Significance. Experimental studies and prediction algorithms are not available or were not evaluated, and the functional significance of this variant is currently unknown. This variant has not been reported in the literature in individuals affected with MYH6-related conditions. Information on the frequency of this variant in the gnomAD database is not available, as this variant may be reported differently in the database. This variant, c.2529_2530delinsCT, is a complex sequence change that results in the deletion of 2 and insertion of 2 amino acid(s) in the MYH6 protein (p.Lys843_Ser844delinsAsnCys).